The following is an entry in ClinVar:

ClinVar aggregate classification (germline): Conflicting classifications of pathogenicity. Review status: criteria provided, conflicting classifications (1 of 4 stars). 2 submissions from 2 submitters: Uncertain significance (1); Likely benign (1). Last evaluated 2024-05-07.

Conditions:
Intellectual developmental disorder, X-linked, syndromic 14. Also called: Syndromic X-linked intellectual disability 14. Identifiers: Orphanet 776, MedGen C1970822, MONDO:0010398, OMIM 300676.

Allele frequency attached by ClinVar (database versions not stated): TOPMed below 0.00001; ExAC 0.00001; gnomAD exomes 0.00002.
gnomAD v4.1: 27 of 1,209,891 alleles (0.0022%); highest among the groups gnomAD compares: Middle Eastern, 0.19%; 2 homozygotes.

Submissions (2):

Labcorp Genetics (formerly Invitae), Labcorp
Classification: Uncertain significance for Intellectual developmental disorder, X-linked, syndromic 14. Last evaluated: 2024-05-07. Review status: criteria provided, single submitter. Criteria: Invitae Variant Classification Sherloc (09022015). Collection method: clinical testing. Allele origin: germline.
Comment: This sequence change replaces serine, which is neutral and polar, with leucine, which is neutral and non-polar, at codon 412 of the UPF3B protein (p.Ser412Leu). This variant is present in population databases (rs780652469, gnomAD 0.02%), including at least one homozygous and/or hemizygous individual. This variant has not been reported in the literature in individuals affected with UPF3B-related conditions. ClinVar contains an entry for this variant (Variation ID: 1190148). Advanced modeling of protein sequence and biophysical properties (such as structural, functional, and spatial information, amino acid conservation, physicochemical variation, residue mobility, and thermodynamic stability) performed at Invitae indicates that this missense variant is not expected to disrupt UPF3B protein function with a negative predictive value of 80%. In summary, the available evidence is currently insufficient to determine the role of this variant in disease. Therefore, it has been classified as a Variant of Uncertain Significance.

GeneDx
Classification: Likely benign. Last evaluated: 2018-09-27. Review status: criteria provided, single submitter. Criteria: GeneDx Variant Classification Process June 2021. Collection method: clinical testing. Allele origin: germline. Affected: yes.

NM_080632.3(UPF3B):c.1235C>T (p.Ser412Leu)

Gene: UPF3B (UPF3B regulator of nonsense mediated mRNA decay; minus strand). Cytogenetic location: Xq24.
Variant type: single nucleotide variant.
Coding change: c.1235C>T on transcript NM_080632.3 (MANE Select); coding-DNA position 1235, C replaced by T.
Protein change: p.Ser412Leu; replaces serine 412 with leucine.
Molecular consequence: missense variant.
Genome position (GRCh38, 1-based): chrX:119,837,824, G>A on the plus strand (C>T on the coding strand, the complement: UPF3B is on the minus strand). VCF-style: chrX-119837824-G-A. GRCh37 (hg19) VCF-style: chrX-118971787-G-A.
Other names: c.1196C>T, p.Ser399Leu (NM_023010.4); short protein forms S399L, S412L.
Identifiers: ClinVar variation 1190148 (VCV001190148.5), dbSNP rs780652469, ClinGen allele CA10503165.
Genomic context (GRCh38, chrX:119,837,824, plus strand): 5'-CTTATTCGATCTCTCTTGACCACTTCTTCTTTCTTTTCAGTTTTTTCTGAGCTGCCTATT[G>A]ATTCTGTACTTTCAGCCTTCTTTCCTTTATCCCGAAGTGTGTCTTTCTCTTTTTTCATTT-3'
Protein context (NP_542199.1, residues 402-422): DKGKKAESTE[Ser412Leu]IGSSEKTEKK